The following is an entry in ClinVar:

ClinVar aggregate classification (germline): Uncertain significance (1 of 4 stars; one submission).

Conditions:
Inborn genetic diseases. Identifiers: MedGen C0950123, MeSH D030342.

gnomAD v4.1: 6 of 1,613,468 alleles (0.00037%); highest among the groups gnomAD compares: Non-Finnish European, 0.00051%; no homozygotes.

Submission:

Ambry Genetics
Classification: Uncertain significance for Inborn genetic diseases. Last evaluated: 2025-07-04. Review status: criteria provided, single submitter. Criteria: Ambry Variant Classification Scheme 2023. Collection method: clinical testing. Allele origin: germline.
Comment: The p.S199P variant (also known as c.595T>C), located in coding exon 2 of the FANCM gene, results from a T to C substitution at nucleotide position 595. The serine at codon 199 is replaced by proline, an amino acid with similar properties. This amino acid position is conserved. In addition, this alteration is predicted to be tolerated by in silico analysis. Based on the available evidence, the clinical significance of this variant remains unclear.

NM_020937.4(FANCM):c.595T>C (p.Ser199Pro)

Gene: FANCM (FA complementation group M; plus strand). Cytogenetic location: 14q21.2.
Variant type: single nucleotide variant.
Coding change: c.595T>C on transcript NM_020937.4 (MANE Select); coding-DNA position 595, T replaced by C.
Protein change: p.Ser199Pro; replaces serine 199 with proline.
Molecular consequence: missense variant.
Genome position (GRCh38, 1-based): chr14:45,137,155, T>C. VCF-style: chr14-45137155-T-C. GRCh37 (hg19) VCF-style: chr14-45606358-T-C.
Other names: c.595T>C, p.Ser199Pro (NM_001308133.2, NM_001308134.2); short protein forms S199P.
Identifiers: ClinVar variation 4254571 (VCV004254571.1).